The following is an entry in ClinVar:

NM_001384910.1(GUCA1A):c.130G>A (p.Gly44Ser)

Genes: GUCA1A (guanylate cyclase activator 1A; plus strand), GUCA1ANB-GUCA1A (GUCA1ANB-GUCA1A readthrough; plus strand). Cytogenetic location: 6p21.1.
Variant type: single nucleotide variant.
Coding change: c.130G>A on transcript NM_001384910.1 (MANE Select); coding-DNA position 130, G replaced by A.
Protein change: p.Gly44Ser; replaces glycine 44 with serine.
Molecular consequence: missense variant.
Genome position (GRCh38, 1-based): chr6:42,173,743, G>A. VCF-style: chr6-42173743-G-A. GRCh37 (hg19) VCF-style: chr6-42141481-G-A.
Other names: c.130G>A (NM_000409.3); c.130G>A, p.Gly44Ser (NM_000409.5, NM_001319061.2, NM_001319062.2); short protein forms G44S.
Identifiers: ClinVar variation 939170 (VCV000939170.12), dbSNP rs544909717, ClinGen allele CA3805271.

ClinVar aggregate classification (germline): Conflicting classifications of pathogenicity. Review status: criteria provided, conflicting classifications (1 of 4 stars). 3 submissions from 3 submitters: Uncertain significance (2); Likely benign (1). Last evaluated 2025-11-10.

Conditions:
Inborn genetic diseases. Identifiers: MedGen C0950123, MeSH D030342.

Allele frequency attached by ClinVar (database versions not stated): gnomAD exomes 0.00004 and 0.00006; ExAC 0.00011; gnomAD 0.00021 and 0.00023; TOPMed 0.00023; 1000 Genomes Project 30x 0.00031; 1000 Genomes Project 0.00040.

Submissions (3):

Labcorp Genetics (formerly Invitae), Labcorp
Classification: Uncertain significance. Last evaluated: 2025-11-10. Review status: criteria provided, single submitter. Criteria: Invitae Variant Classification Sherloc (09022015). Collection method: clinical testing. Allele origin: germline.
Comment: This sequence change replaces glycine, which is neutral and non-polar, with serine, which is neutral and polar, at codon 44 of the GUCA1A protein (p.Gly44Ser). This variant is present in population databases (rs544909717, gnomAD 0.05%), and has an allele count higher than expected for a pathogenic variant. This variant has not been reported in the literature in individuals affected with GUCA1A-related conditions. ClinVar contains an entry for this variant (Variation ID: 939170). An algorithm developed to predict the effect of missense changes on protein structure and function (PolyPhen-2) suggests that this variant is likely to be disruptive. In summary, the available evidence is currently insufficient to determine the role of this variant in disease. Therefore, it has been classified as a Variant of Uncertain Significance.

Ambry Genetics
Classification: Uncertain significance for Inborn genetic diseases. Last evaluated: 2024-11-06. Review status: criteria provided, single submitter. Criteria: Ambry Variant Classification Scheme 2023. Collection method: clinical testing. Allele origin: germline.

Blueprint Genetics
Classification: Likely benign. Last evaluated: 2023-11-06. Review status: criteria provided, single submitter. Criteria: ACMG Guidelines, 2015. Collection method: clinical testing. Allele origin: germline.